The following is an entry in ClinVar:

ClinVar aggregate classification (germline): Uncertain significance (1 of 4 stars; one submission).

Submission:

Labcorp Genetics (formerly Invitae), Labcorp
Classification: Uncertain significance. Last evaluated: 2024-06-25. Review status: criteria provided, single submitter. Criteria: Invitae Variant Classification Sherloc (09022015). Collection method: clinical testing. Allele origin: germline.
Comment: This sequence change replaces tyrosine, which is neutral and polar, with cysteine, which is neutral and slightly polar, at codon 2037 of the SZT2 protein (p.Tyr2037Cys). This variant is not present in population databases (gnomAD no frequency). This variant has not been reported in the literature in individuals affected with SZT2-related conditions. ClinVar contains an entry for this variant (Variation ID: 846319). Advanced modeling of protein sequence and biophysical properties (such as structural, functional, and spatial information, amino acid conservation, physicochemical variation, residue mobility, and thermodynamic stability) performed at Invitae indicates that this missense variant is expected to disrupt SZT2 protein function with a positive predictive value of 80%. In summary, the available evidence is currently insufficient to determine the role of this variant in disease. Therefore, it has been classified as a Variant of Uncertain Significance.

NM_001365999.1(SZT2):c.6281A>G (p.Tyr2094Cys)

Gene: SZT2 (SZT2 subunit of KICSTOR complex; plus strand). Cytogenetic location: 1p34.2.
Variant type: single nucleotide variant.
Coding change: c.6281A>G on transcript NM_001365999.1 (MANE Select); coding-DNA position 6281, A replaced by G.
Protein change: p.Tyr2094Cys; replaces tyrosine 2094 with cysteine.
Molecular consequence: missense variant.
Genome position (GRCh38, 1-based): chr1:43,437,499, A>G. VCF-style: chr1-43437499-A-G. GRCh37 (hg19) VCF-style: chr1-43903170-A-G.
Other names: c.6110A>G, p.Tyr2037Cys (NM_015284.4); short protein forms Y2094C, Y2037C.
Identifiers: ClinVar variation 846319 (VCV000846319.9), dbSNP rs1654579565, ClinGen allele CA340029028.
Genomic context (GRCh38, chr1:43,437,499, plus strand): 5'-TCTCTGTGGTGAACCGGAAAAACATGTTTGTTTACCAGGAGCGAGCAACAAAGGCTGTGT[A>G]CTATCTTCGGTATGTGGCCCTTGGAAGGTGGGTAGGGCATGAATTAAGGATGGCCTGGGA-3'
Protein context (NP_001352928.1, residues 2084-2104): VYQERATKAV[Tyr2094Cys]YLRLLETSCS